The following is an entry in ClinVar:

NM_145290.4(ADGRA3):c.3057G>T (p.Leu1019Phe)

Gene: ADGRA3 (adhesion G protein-coupled receptor A3; minus strand). Cytogenetic location: 4p15.2.
Variant type: single nucleotide variant.
Coding change: c.3057G>T on transcript NM_145290.4 (MANE Select); coding-DNA position 3057, G replaced by T.
Protein change: p.Leu1019Phe; replaces leucine 1019 with phenylalanine.
Molecular consequence: missense variant.
Genome position (GRCh38, 1-based): chr4:22,388,614, C>A on the plus strand (G>T on the coding strand, the complement: ADGRA3 is on the minus strand). VCF-style: chr4-22388614-C-A. GRCh37 (hg19) VCF-style: chr4-22390237-C-A.
Other names: short protein forms L1019F.
Identifiers: ClinVar variation 4773423 (VCV004773423.1).

ClinVar aggregate classification (germline): Uncertain significance (1 of 4 stars; one submission).

gnomAD v4.1: 3 of 1,614,020 alleles (0.00019%); highest among the groups gnomAD compares: Non-Finnish European, 0.00025%; no homozygotes.

Submission:

Labcorp Genetics (formerly Invitae), Labcorp
Classification: Uncertain significance. Last evaluated: 2025-11-04. Review status: criteria provided, single submitter. Criteria: Invitae Variant Classification Sherloc (09022015). Collection method: clinical testing. Allele origin: germline.
Comment: This sequence change replaces leucine, which is neutral and non-polar, with phenylalanine, which is neutral and non-polar, at codon 1019 of the ADGRA3 protein (p.Leu1019Phe). This variant is not present in population databases (gnomAD no frequency). This variant has not been reported in the literature in individuals affected with ADGRA3-related conditions. An algorithm developed to predict the effect of missense changes on protein structure and function (PolyPhen-2) suggests that this variant is likely to be tolerated. In summary, the available evidence is currently insufficient to determine the role of this variant in disease. Therefore, it has been classified as a Variant of Uncertain Significance.